The following is an entry in ClinVar:

NM_000282.4(PCCA):c.862A>G (p.Arg288Gly)

Gene: PCCA (propionyl-CoA carboxylase subunit alpha; plus strand). Cytogenetic location: 13q32.3.
Variant type: single nucleotide variant.
Coding change: c.862A>G on transcript NM_000282.4 (MANE Select); coding-DNA position 862, A replaced by G.
Protein change: p.Arg288Gly; replaces arginine 288 with glycine.
Molecular consequence: missense variant. On other transcripts: 5 prime UTR variant (3), non-coding transcript variant (5).
Genome position (GRCh38, 1-based): chr13:100,268,731, A>G. VCF-style: chr13-100268731-A-G. GRCh37 (hg19) VCF-style: chr13-100920985-A-G.
Other names: c.784A>G, p.Arg262Gly (NM_001127692.3, NM_001352607.2, NM_001352608.2); c.862A>G, p.Arg288Gly (NM_001178004.2, NM_001352605.2, NM_001352606.2 and 1 more transcripts); c.-84A>G (NM_001352610.2, NM_001352611.2, NM_001352612.2); short protein forms R288G, R262G.
Identifiers: ClinVar variation 38869 (VCV000038869.14), dbSNP rs121964957, ClinGen allele CA343125.

ClinVar aggregate classification (germline): Pathogenic/Likely pathogenic. Review status: criteria provided, multiple submitters, no conflicts (2 of 4 stars). 4 submissions from 4 submitters: Pathogenic (1); Likely pathogenic (2). 1 of the submissions does not count toward it. Last evaluated 2024-06-23.

Conditions:
Propionic acidemia (PROP). Also called: GLYCINEMIA, KETOTIC; HYPERGLYCINEMIA WITH KETOACIDOSIS AND LEUKOPENIA; KETOTIC HYPERGLYCINEMIA. Identifiers: Orphanet 35, MedGen C0268579, MONDO:0011628, OMIM 606054, HP:0003571.

gnomAD v4.1: 5 of 1,614,028 alleles (0.00031%); highest among the groups gnomAD compares: Non-Finnish European, 0.00042%; no homozygotes.

Submissions (4):

Fulgent Genetics
Classification: Likely pathogenic for Propionic acidemia. Last evaluated: 2024-06-23. Review status: criteria provided, single submitter. Criteria: ACMG Guidelines, 2015. Collection method: clinical testing. Allele origin: germline.

Women's Health and Genetics/Laboratory Corporation of America, LabCorp
Classification: Likely pathogenic for Propionic acidemia. Last evaluated: 2024-06-21. Review status: criteria provided, single submitter. Criteria: LabCorp Variant Classification Summary - May 2015. Collection method: clinical testing. Allele origin: germline.
Comment: Variant summary: PCCA c.862A>G (p.Arg288Gly) results in a non-conservative amino acid change located in the Carbamoyl-phosphate synthetase large subunit-like, ATP-binding domain (IPR005479) of the encoded protein sequence. Five of five in-silico tools predict a damaging effect of the variant on protein function. The variant allele was found at a frequency of 4e-06 in 251350 control chromosomes. c.862A>G has been reported in the literature in at least 1 homozygous individual affected with Propionic Acidemia (example, Lianou_2010). These data indicate that the variant may be associated with disease. The variant was found to result in reduced enzymatic activity, with the most pronounced effect reported as 3.2% residual activity (example, Lianou_2010, Gallego-Villar_2013). The following publications have been ascertained in the context of this evaluation (PMID: 23053474, 20493181). ClinVar contains an entry for this variant (Variation ID: 38869). Based on the evidence outlined above, the variant was classified as likely pathogenic.

Labcorp Genetics (formerly Invitae), Labcorp
Classification: Pathogenic for Propionic acidemia. Last evaluated: 2024-02-12. Review status: criteria provided, single submitter. Criteria: Invitae Variant Classification Sherloc (09022015). Collection method: clinical testing. Allele origin: germline.
Comment: This sequence change replaces arginine, which is basic and polar, with glycine, which is neutral and non-polar, at codon 288 of the PCCA protein (p.Arg288Gly). This variant is present in population databases (rs121964957, gnomAD 0.0009%). This missense change has been observed in individual(s) with propionic acidemia (PMID: 20493181). ClinVar contains an entry for this variant (Variation ID: 38869). Advanced modeling of protein sequence and biophysical properties (such as structural, functional, and spatial information, amino acid conservation, physicochemical variation, residue mobility, and thermodynamic stability) performed at Invitae indicates that this missense variant is expected to disrupt PCCA protein function with a positive predictive value of 80%. Experimental studies have shown that this missense change affects PCCA function (PMID: 20493181). This variant disrupts the p.Arg288 amino acid residue in PCCA. Other variant(s) that disrupt this residue have been determined to be pathogenic (PMID: 27227689; Invitae). This suggests that this residue is clinically significant, and that variants that disrupt this residue are likely to be disease-causing. For these reasons, this variant has been classified as Pathogenic.

GeneReviews
No classification provided. Condition: Propionic acidemia. Review status: no classification provided. Collection method: literature only. Allele origin: unknown. Not counted in ClinVar's aggregate classification.

Literature cited by the submitters: PubMed 23053474 (cited by Women's Health and Genetics/Laboratory Corporation of America, LabCorp); PubMed 20493181 (cited by Women's Health and Genetics/Laboratory Corporation of America, LabCorp and Labcorp Genetics (formerly Invitae), Labcorp); PubMed 27227689 (cited by Labcorp Genetics (formerly Invitae), Labcorp); PubMed 22593918 (cited by GeneReviews); NCBI Bookshelf NBK92946 (cited by GeneReviews).